The following is an entry in ClinVar:

NM_004370.6(COL12A1):c.8320-16C>G

Gene: COL12A1 (collagen type XII alpha 1 chain; minus strand). Cytogenetic location: 6q13.
Variant type: single nucleotide variant.
Coding change: c.8320-16C>G on transcript NM_004370.6 (MANE Select); 16 bases into the intron before coding-DNA position 8320, C replaced by G.
Molecular consequence: intron variant.
Genome position (GRCh38, 1-based): chr6:75,102,708, G>C on the plus strand (C>G on the coding strand, the complement: COL12A1 is on the minus strand). VCF-style: chr6-75102708-G-C. GRCh37 (hg19) VCF-style: chr6-75812424-G-C.
Other names: c.4828-16C>G (NM_080645.3).
Identifiers: ClinVar variation 2062011 (VCV002062011.7), dbSNP rs779308474, ClinGen allele CA3892305.

ClinVar aggregate classification (germline): Likely benign. Review status: criteria provided, multiple submitters, no conflicts (2 of 4 stars). 3 submissions from 3 submitters: Likely benign (3). Last evaluated 2025-07-01.

Conditions:
Ullrich congenital muscular dystrophy 2 (UCMD2). Identifiers: Orphanet 75840, MedGen C4225314, MONDO:0014654, OMIM 616470.
Bethlem myopathy 2 (BTHLM2). Identifiers: Orphanet 536516, Orphanet 610, MedGen C4225313, MONDO:0034022, OMIM 616471.

gnomAD v4.1: 19 of 1,506,878 alleles (0.0013%); highest among the groups gnomAD compares: Non-Finnish European, 0.0017%; no homozygotes.

Submissions (3):

Women's Health and Genetics/Laboratory Corporation of America, LabCorp
Classification: Likely benign. Last evaluated: 2025-07-01. Review status: criteria provided, single submitter. Criteria: LabCorp Variant Classification Summary - May 2015. Collection method: clinical testing. Allele origin: germline.
Comment: Variant summary: COL12A1 c.8320-16C>G alters a non-conserved nucleotide located at a position not widely known to affect splicing. Consensus agreement among computation tools predict no significant impact on normal splicing. However, these predictions have yet to be confirmed by functional studies. The variant allele was found at a frequency of 1.1e-05 in 181854 control chromosomes. The available data on variant occurrences in the general population are insufficient to allow any conclusion about variant significance. To our knowledge, no occurrence of c.8320-16C>G in individuals affected with Ullrich congenital muscular dystrophy 2 and no experimental evidence demonstrating its impact on protein function have been reported. ClinVar contains an entry for this variant (Variation ID: 2062011). Based on the evidence outlined above, the variant was classified as likely benign.

Blueprint Genetics
Classification: Likely benign. Last evaluated: 2024-11-21. Review status: criteria provided, single submitter. Criteria: ACMG Guidelines, 2015. Collection method: clinical testing. Allele origin: germline.

Labcorp Genetics (formerly Invitae), Labcorp
Classification: Likely benign for Bethlem myopathy 2; Ullrich congenital muscular dystrophy 2. Last evaluated: 2024-05-02. Review status: criteria provided, single submitter. Criteria: Invitae Variant Classification Sherloc (09022015). Collection method: clinical testing. Allele origin: germline.